The following is an entry in ClinVar:

ClinVar aggregate classification (germline): Uncertain significance. Review status: criteria provided, multiple submitters, no conflicts (2 of 4 stars). 2 submissions from 2 submitters: Uncertain significance (2). Last evaluated 2021-08-24.

Conditions:
Neuronal ceroid lipofuscinosis. Also called: Neuronal Ceroid Lipofuscinoses. Identifiers: Orphanet 216, Orphanet 79263, MedGen C0027877, MONDO:0016295. Disease mechanism: loss of function.

Allele frequency attached by ClinVar (database versions not stated): gnomAD exomes below 0.00001; gnomAD 0.00001; TOPMed 0.00001.

Submissions (2):

Labcorp Genetics (formerly Invitae), Labcorp
Classification: Uncertain significance for Neuronal ceroid lipofuscinosis. Last evaluated: 2021-08-24. Review status: criteria provided, single submitter. Criteria: Invitae Variant Classification Sherloc (09022015). Collection method: clinical testing. Allele origin: germline.
Comment: This sequence change replaces phenylalanine with leucine at codon 95 of the CLN6 protein (p.Phe95Leu). The phenylalanine residue is highly conserved and there is a small physicochemical difference between phenylalanine and leucine. This variant is not present in population databases (ExAC no frequency). This variant has not been reported in the literature in individuals affected with CLN6-related conditions. ClinVar contains an entry for this variant (Variation ID: 205163). Algorithms developed to predict the effect of missense changes on protein structure and function are either unavailable or do not agree on the potential impact of this missense change (SIFT: "Tolerated"; PolyPhen-2: "Probably Damaging"; Align-GVGD: "Class C0"). In summary, the available evidence is currently insufficient to determine the role of this variant in disease. Therefore, it has been classified as a Variant of Uncertain Significance.

GeneDx
Classification: Uncertain significance. Last evaluated: 2014-12-30. Review status: criteria provided, single submitter. Criteria: GeneDx Variant Classification (06012015). Collection method: clinical testing. Allele origin: germline. Affected: yes.
Comment: p.Phe95Leu (TTT>TTA): c.285 T>A in exon 3 of the CLN6 gene (NM_017882.2). The F95L variant has not been published as a mutation, nor has it been reported as a benign polymorphism to our knowledge. It was not observed in approximately 6,500 individuals of European and African American ancestry in the NHLBI Exome Sequencing Project, indicating it is not a common benign variant in these populations. This substitution occurs at a position that is conserved through mammals; however, Leucine is observed at this position in more distantly related species. Missense mutations in nearby residues (N90K, R103W, R103Q) have been reported in association with neuronal ceroid lipofuscinosis, supporting the functional importance of this region of the protein. However, the F95L variant is a conservative amino acid substitution, which is not likely to impact secondary protein structure as these residues share similar properties. In silico analysis is inconsistent in its predictions as to whether or not the variant is damaging to the protein structure/function. Therefore, based on the currently available information, it is unclear whether this variant is a pathogenic mutation or a rare benign variant. The variant is found in INFANT-EPI panel(s).

NM_017882.3(CLN6):c.285T>A (p.Phe95Leu)

Gene: CLN6 (CLN6 transmembrane ER protein; minus strand). Cytogenetic location: 15q23.
Variant type: single nucleotide variant.
Coding change: c.285T>A on transcript NM_017882.3 (MANE Select); coding-DNA position 285, T replaced by A.
Protein change: p.Phe95Leu; replaces phenylalanine 95 with leucine.
Molecular consequence: missense variant.
Genome position (GRCh38, 1-based): chr15:68,214,302, A>T on the plus strand (T>A on the coding strand, the complement: CLN6 is on the minus strand). VCF-style: chr15-68214302-A-T. GRCh37 (hg19) VCF-style: chr15-68506640-A-T.
Other names: p.F95L:TTT>TTA; short protein forms F95L.
Identifiers: ClinVar variation 205163 (VCV000205163.7), dbSNP rs796052350, ClinGen allele CA313957.
Genomic context (GRCh38, chr15:68,214,302, plus strand): 5'-TGCAAAGAATGGGGATGACAGGAGAGAGTGGGGGCCCTGGGACAGTACCTTGAGCAAGAG[A>T]AAGGGCGTGATGACGTTGTAGGCCATGTGGAAGTAGTCCCCAACACTGGGCTTGTTGAGT-3'
Protein context (NP_060352.1, residues 85-105): FHMAYNVITP[Phe95Leu]LLLKLIERSP